The following is an entry in ClinVar:

NM_014727.3(KMT2B):c.5059G>C (p.Asp1687His)

Gene: KMT2B (lysine methyltransferase 2B; plus strand). Cytogenetic location: 19q13.12.
Variant type: single nucleotide variant.
Coding change: c.5059G>C on transcript NM_014727.3 (MANE Select); coding-DNA position 5059, G replaced by C.
Protein change: p.Asp1687His; replaces aspartic acid 1687 with histidine.
Molecular consequence: missense variant.
Genome position (GRCh38, 1-based): chr19:35,730,108, G>C. VCF-style: chr19-35730108-G-C. GRCh37 (hg19) VCF-style: chr19-36221009-G-C.
Other names: short protein forms D1687H.
Identifiers: ClinVar variation 2572896 (VCV002572896.2), dbSNP rs2513344950, ClinGen allele CA405419327.

ClinVar aggregate classification (germline): Uncertain significance. Review status: criteria provided, multiple submitters, no conflicts (2 of 4 stars). 2 submissions from 2 submitters: Uncertain significance (2). Last evaluated 2023-08-14.

Conditions:
KMT2B-related disorder. Also called: KMT2B-related disorders; KMT2B-related condition. Identifiers: MedGen CN381338.

Submissions (2):

PreventionGenetics, part of Exact Sciences
Classification: Uncertain significance for KMT2B-related condition. Last evaluated: 2023-08-14. Review status: criteria provided, single submitter. Criteria: ACMG Guidelines, 2015. Collection method: clinical testing. Allele origin: germline.
Comment: The KMT2B c.5059G>C variant is predicted to result in the amino acid substitution p.Asp1687His. To our knowledge, this variant has not been reported in the literature or in a large population database, indicating this variant is rare. At this time, the clinical significance of this variant is uncertain due to the absence of conclusive functional and genetic evidence.

GeneDx
Classification: Uncertain significance. Last evaluated: 2023-01-16. Review status: criteria provided, single submitter. Criteria: GeneDx Variant Classification Process June 2021. Collection method: clinical testing. Allele origin: germline. Affected: yes.
Comment: Not observed at significant frequency in large population cohorts (gnomAD); In silico analysis supports that this missense variant has a deleterious effect on protein structure/function; Has not been previously published as pathogenic or benign to our knowledge